The following is an entry in ClinVar:

NM_000135.2(FANCA):c.(?_-1)_522+?del

Genes: FANCA (FA complementation group A; minus strand), LOC112486223 (Sharpr-MPRA regulatory region 3988; plus strand), LOC130059839 (ATAC-STARR-seq lymphoblastoid silent region 7925; plus strand). Cytogenetic location: 16q24.3.
Variant type: Deletion.
Other names: c.(?_-1)_522+?del (LRG_495t1).
Identifiers: ClinVar variation 216036 (VCV000216036.1).

ClinVar aggregate classification (germline): Pathogenic (1 of 4 stars; one submission).

Conditions:
Fanconi anemia (FA). Also called: Fanconi's anemia. Identifiers: Orphanet 84, MedGen C0015625, MeSH D005199, MONDO:0019391.

Submission:

Labcorp Genetics (formerly Invitae), Labcorp
Classification: Pathogenic for Fanconi's anemia. Last evaluated: 2015-06-06. Review status: criteria provided, single submitter. Criteria: Invitae Variant Classification Sherloc (09022015). Collection method: clinical testing. Allele origin: germline.
Comment: This sequence change is a gross deletion of the genomic region encompassing exons 1 - 5 of the FANCA gene. This deletion extends to the edge of the assayed region, and the 5' boundary of this event is not known. A deletion of exons 1 -5 was reported to segregate with Fanconi anemia in a single family (PMID: 23898106). The carrier father transmitted this deletion to his two dyzogotic twins affected with Fanconi anemia. In addition, deletions of exons 1 -5 have been reported in 4 other individuals with Fanconi Anemia (PMID: 24584348, 10521298). For these reasons, this variant has been classified as Pathogenic.